The following is an entry in ClinVar:

ClinVar aggregate classification (germline): Likely benign (1 of 4 stars; one submission).

Submission:

CeGaT Center for Human Genetics Tuebingen
Classification: Likely benign. Last evaluated: 2025-08-01. Review status: criteria provided, single submitter. Criteria: CeGaT Center For Human Genetics Tuebingen Variant Classification Criteria Version 2. Collection method: clinical testing. Allele origin: germline. Affected: yes. Observed: 1 variant allele.
Comment: PHOX2B: BP4, BP7

NM_003924.4(PHOX2B):c.798T>C (p.Ala266=)

Gene: PHOX2B (paired like homeobox 2B; minus strand). Cytogenetic location: 4p13.
Variant type: single nucleotide variant.
Coding change: c.798T>C on transcript NM_003924.4 (MANE Select); coding-DNA position 798, T replaced by C.
Protein change: p.Ala266=; no amino-acid change (alanine 266 retained).
Molecular consequence: synonymous variant.
Genome position (GRCh38, 1-based): chr4:41,745,954, A>G on the plus strand (T>C on the coding strand, the complement: PHOX2B is on the minus strand). VCF-style: chr4-41745954-A-G. GRCh37 (hg19) VCF-style: chr4-41747971-A-G.
Identifiers: ClinVar variation 4084796 (VCV004084796.8).